The following is an entry in ClinVar:

NM_001458.5(FLNC):c.1526T>G (p.Leu509Arg)

Gene: FLNC (filamin C; plus strand). Cytogenetic location: 7q32.1.
Variant type: single nucleotide variant.
Coding change: c.1526T>G on transcript NM_001458.5 (MANE Select); coding-DNA position 1526, T replaced by G.
Protein change: p.Leu509Arg; replaces leucine 509 with arginine.
Molecular consequence: missense variant.
Genome position (GRCh38, 1-based): chr7:128,840,137, T>G. VCF-style: chr7-128840137-T-G. GRCh37 (hg19) VCF-style: chr7-128480191-T-G.
Other names: c.1526T>G, p.Leu509Arg (NM_001127487.2); short protein forms L509R.
Identifiers: ClinVar variation 4812675 (VCV004812675.1).

ClinVar aggregate classification (germline): Uncertain significance (1 of 4 stars; one submission).

Conditions:
Hypertrophic cardiomyopathy 26. Also called: Cardiomyopathy, familial hypertrophic, 26. Identifiers: Orphanet 75249, MedGen C4310749, MONDO:0014883, OMIM 617047.
Myofibrillar myopathy 5. Also called: Filaminopathy (type); FILAMINOPATHY, AUTOSOMAL DOMINANT. Identifiers: Orphanet 171445, MedGen C1836050, MONDO:0012289, OMIM 609524.
Distal myopathy with posterior leg and anterior hand involvement. Also called: WILLIAMS DISTAL MYOPATHY. Identifiers: Orphanet 63273, MedGen C3279722, MONDO:0013550, OMIM 614065.

gnomAD v4.1: 1 of 1,613,816 alleles (0.000062%); highest among the groups gnomAD compares: South Asian, 0.0011%; no homozygotes.

Submission:

Labcorp Genetics (formerly Invitae), Labcorp
Classification: Uncertain significance for Distal myopathy with posterior leg and anterior hand involvement; Myofibrillar myopathy 5; Hypertrophic cardiomyopathy 26. Last evaluated: 2025-08-16. Review status: criteria provided, single submitter. Criteria: Invitae Variant Classification Sherloc (09022015). Collection method: clinical testing. Allele origin: germline.
Comment: This sequence change replaces leucine, which is neutral and non-polar, with arginine, which is basic and polar, at codon 509 of the FLNC protein (p.Leu509Arg). This variant is not present in population databases (gnomAD no frequency). This variant has not been reported in the literature in individuals affected with FLNC-related conditions. Invitae Evidence Modeling of protein sequence and biophysical properties (such as structural, functional, and spatial information, amino acid conservation, physicochemical variation, residue mobility, and thermodynamic stability) has been performed for this missense variant. However, the output from this modeling did not meet the statistical confidence thresholds required to predict the impact of this variant on FLNC protein function. In summary, the available evidence is currently insufficient to determine the role of this variant in disease. Therefore, it has been classified as a Variant of Uncertain Significance.